The following is an entry in ClinVar:

NM_203446.3(SYNJ1):c.2678A>C (p.Asp893Ala)

Gene: SYNJ1 (synaptojanin 1; minus strand). Cytogenetic location: 21q22.11.
Variant type: single nucleotide variant.
Coding change: c.2678A>C on transcript NM_203446.3 (MANE Select); coding-DNA position 2678, A replaced by C.
Protein change: p.Asp893Ala; replaces aspartic acid 893 with alanine.
Molecular consequence: missense variant.
Genome position (GRCh38, 1-based): chr21:32,656,804, T>G on the plus strand (A>C on the coding strand, the complement: SYNJ1 is on the minus strand). VCF-style: chr21-32656804-T-G. GRCh37 (hg19) VCF-style: chr21-34029114-T-G.
Other names: c.2678A>C, p.Asp893Ala (NM_001160302.2); c.2663A>C, p.Asp888Ala (NM_001160306.2); c.2795A>C, p.Asp932Ala (NM_003895.4); short protein forms D932A, D888A, D893A.
Identifiers: ClinVar variation 2012861 (VCV002012861.4), dbSNP rs2517529832, ClinGen allele CA410073738.
Genomic context (GRCh38, chr21:32,656,804, plus strand): 5'-GCATCATCAAAAAAATTATTTTCTGGTAAAGAACTTTTGATTGAGACCAATACTGTACCA[T>G]CTGGTGGACCCTGAACTGCAATTACTTCTTTATAAATGTTTTGCCTCTCTTCAGCTTCAA-3'
Protein context (NP_982271.3, residues 883-903): KEVIAVQGPP[Asp893Ala]GTVLVSIKSS

ClinVar aggregate classification (germline): Uncertain significance (1 of 4 stars; one submission).

Conditions:
Developmental and epileptic encephalopathy, 53. Also called: Epileptic encephalopathy, early infantile, 53. Identifiers: MedGen C4479313, MONDO:0033362, OMIM 617389.
Early-onset Parkinson disease 20. Also called: PARKINSON DISEASE 20, AUTOSOMAL RECESSIVE EARLY-ONSET. Identifiers: Orphanet 391411, MedGen C3809824, MONDO:0014233, OMIM 615530.

Submission:

Labcorp Genetics (formerly Invitae), Labcorp
Classification: Uncertain significance for Developmental and epileptic encephalopathy, 53; Early-onset Parkinson disease 20. Last evaluated: 2022-07-01. Review status: criteria provided, single submitter. Criteria: Invitae Variant Classification Sherloc (09022015). Collection method: clinical testing. Allele origin: germline.
Comment: This variant has not been reported in the literature in individuals affected with SYNJ1-related conditions. This variant is not present in population databases (gnomAD no frequency). This sequence change replaces aspartic acid, which is acidic and polar, with alanine, which is neutral and non-polar, at codon 932 of the SYNJ1 protein (p.Asp932Ala). Algorithms developed to predict the effect of missense changes on protein structure and function are either unavailable or do not agree on the potential impact of this missense change (SIFT: "Deleterious"; PolyPhen-2: "Probably Damaging"; Align-GVGD: "Class C0"). In summary, the available evidence is currently insufficient to determine the role of this variant in disease. Therefore, it has been classified as a Variant of Uncertain Significance.